The following is an entry in ClinVar:

ClinVar aggregate classification (germline): Conflicting classifications of pathogenicity. Review status: criteria provided, conflicting classifications (1 of 4 stars). 7 submissions from 7 submitters: Uncertain significance (6); Benign (1). Last evaluated 2025-08-11.

Conditions:
Hereditary cancer-predisposing syndrome. Also called: Neoplastic Syndromes, Hereditary; Hereditary neoplastic syndrome; Hereditary Cancer Syndrome; Tumor predisposition. Identifiers: Orphanet 140162, MedGen C0027672, MeSH D009386, MONDO:0015356.
Hereditary breast ovarian cancer syndrome. Also called: Hereditary breast and ovarian cancer syndrome; Breast and ovarian cancer; Hereditary breast and ovarian cancer syndrome (HBOC); Hereditary breast and/or ovarian cancer syndrome; BRCA1- and BRCA2-Associated Hereditary Breast and Ovarian Cancer; Hereditary breast and ovarian cancer. Identifiers: Orphanet 145, MedGen C0677776, MeSH D061325, MONDO:0003582. Disease mechanism: loss of function.

Allele frequency attached by ClinVar (database versions not stated): gnomAD exomes below 0.00001.
gnomAD v4.1: 1 of 1,614,132 alleles (0.000062%); highest among the groups gnomAD compares: Non-Finnish European, 0.000085%; no homozygotes.

Submissions (8):

Labcorp Genetics (formerly Invitae), Labcorp
Classification: Uncertain significance for Hereditary breast ovarian cancer syndrome. Last evaluated: 2025-08-11. Review status: criteria provided, single submitter. Criteria: Invitae Variant Classification Sherloc (09022015). Collection method: clinical testing. Allele origin: germline.
Comment: This sequence change replaces glutamic acid, which is acidic and polar, with lysine, which is basic and polar, at codon 1661 of the BRCA1 protein (p.Glu1661Lys). This variant is not present in population databases (gnomAD no frequency). This variant has not been reported in the literature in individuals affected with BRCA1-related conditions. ClinVar contains an entry for this variant (Variation ID: 375447). Invitae Evidence Modeling incorporating data from in vitro experimental studies (PMID: 30209399) indicates that this missense variant is not expected to disrupt BRCA1 function with a negative predictive value of 95%. Experimental studies have shown that this missense change does not substantially affect BRCA1 function (PMID: 30209399, 35196514). In summary, the available evidence is currently insufficient to determine the role of this variant in disease. Therefore, it has been classified as a Variant of Uncertain Significance.

Blueprint Genetics
Classification: Uncertain significance. Last evaluated: 2024-09-16. Review status: criteria provided, single submitter. Criteria: ACMG Guidelines, 2015. Collection method: clinical testing. Allele origin: germline.

German Consortium for Hereditary Breast and Ovarian Cancer, University Hospital Cologne
Classification: Uncertain significance for Hereditary breast ovarian cancer syndrome. Last evaluated: 2023-10-19. Review status: criteria provided, single submitter. Criteria: ACMG Guidelines, 2015. Collection method: curation. Allele origin: germline.
Comment: PM2_sup (not in gnomAD), BS3 (Findlay et al. functional). According to the ACMG standard criteria we chose these criteria: PM2 (supporting pathogenic): Absent from gnomAD (PM2_sup), BS3 (strong benign): Findlay et al. Functional

Color Diagnostics, LLC DBA Color Health
Classification: Uncertain significance for Hereditary cancer-predisposing syndrome. Last evaluated: 2022-02-15. Review status: criteria provided, single submitter. Criteria: ACMG Guidelines, 2015. Collection method: clinical testing. Allele origin: germline.
Comment: This missense variant replaces glutamic acid with lysine at codon 1661 of the BRCA1 protein. Computational prediction is inconclusive regarding the impact of this variant on protein structure and function (internally defined REVEL score threshold 0.5 < inconclusive < 0.7, PMID: 27666373). This variant has been reported to be functional in a haploid cell proliferation assay (PMID: 30209399). To our knowledge, this variant has not been reported in individuals affected with hereditary cancer in the literature. This variant has not been identified in the general population by the Genome Aggregation Database (gnomAD). The available evidence is insufficient to determine the role of this variant in disease conclusively. Therefore, this variant is classified as a Variant of Uncertain Significance.

Ambry Genetics
Classification: Benign for Hereditary cancer-predisposing syndrome. Last evaluated: 2021-01-15. Review status: criteria provided, single submitter. Criteria: Ambry Variant Classification Scheme 2023. Collection method: clinical testing. Allele origin: germline.

Quest Diagnostics Nichols Institute San Juan Capistrano
Classification: Uncertain significance. Last evaluated: 2020-07-10. Review status: criteria provided, single submitter. Criteria: Quest Diagnostics criteria. Collection method: clinical testing. Allele origin: unknown.

Women's Health and Genetics/Laboratory Corporation of America, LabCorp
Classification: Uncertain significance. Last evaluated: 2016-11-17. Review status: criteria provided, single submitter. Criteria: LabCorp Variant Classification Summary - May 2015. Collection method: clinical testing. Allele origin: germline.
Comment: Variant summary: The c.4981G>A (p.Glu1661Lys) in BRCA1 gene is a missense change that involves a mildly conserved nucleotide and 3/5 in silico tools predict deleterious outcome. The variant of interest is located within BRCT functional domain and several neighboring missense variants are associated with HBOC, although the functional impact of this missense change is yet to be studied. The variant is absent from the large control population dataset of ExAC and has not, to our knowledge, been reported in affected individuals via published reports. In addition, one database cites the variant as VUS. At this time there is not sufficient undeniable evidence to classify this variant with confidence. Taken together, the variant was classified as VUS until more data becomes available.

Brotman Baty Institute, University of Washington
No classification provided (evidence only). Condition: Breast-ovarian cancer, familial 1. Review status: no classification provided. Collection method: in vitro. Allele origin: not applicable. Functional consequence: functionally_normal. Not counted in ClinVar's aggregate classification.
ClinVar note: "not provided" was previously submitted as the classification for the variant. However, the classification appeared to be based only on an observation of functional data so it was converted to no classification on 2025-07-30.

Literature cited by the submitters: PubMed 30209399 (cited by 4 submitters); PubMed 35196514 (cited by Labcorp Genetics (formerly Invitae), Labcorp); PubMed 31476386 (cited by Quest Diagnostics Nichols Institute San Juan Capistrano); PubMed 32257056 (cited by Quest Diagnostics Nichols Institute San Juan Capistrano).

NM_007294.4(BRCA1):c.4981G>A (p.Glu1661Lys)

Gene: BRCA1 (BRCA1 DNA repair associated; minus strand). Cytogenetic location: 17q21.31.
Variant type: single nucleotide variant.
Coding change: c.4981G>A on transcript NM_007294.4 (MANE Select); coding-DNA position 4981, G replaced by A.
Protein change: p.Glu1661Lys; replaces glutamic acid 1661 with lysine.
Molecular consequence: missense variant. On other transcripts: non-coding transcript variant (1).
Genome position (GRCh38, 1-based): chr17:43,070,933, C>T on the plus strand (G>A on the coding strand, the complement: BRCA1 is on the minus strand). VCF-style: chr17-43070933-C-T. GRCh37 (hg19) VCF-style: chr17-41222950-C-T.
Other names: c.4855G>A, p.Glu1619Lys (NM_001407672.1, NM_001407673.1, NM_001407674.1 and 11 more transcripts); c.4768G>A, p.Glu1590Lys (NM_001407571.1, NM_001407894.1, NM_001407895.1 and 12 more transcripts); c.5047G>A, p.Glu1683Lys (NM_001407581.1, NM_001407582.1); c.5044G>A, p.Glu1682Lys (NM_001407583.1, NM_001407585.1, NM_001407587.1 and 1 more transcripts); c.5041G>A, p.Glu1681Lys (NM_001407590.1, NM_001407591.1); c.4981G>A, p.Glu1661Lys (NM_001407593.1, NM_001407594.1, NM_001407596.1 and 8 more transcripts); c.4978G>A, p.Glu1660Lys (NM_001407610.1, NM_001407611.1, NM_001407622.1 and 17 more transcripts); c.4975G>A, p.Glu1659Lys (NM_001407627.1, NM_001407628.1, NM_001407629.1 and 14 more transcripts); and 70 more; short protein forms E1661K, E1682K, E1614K, E557K, E1365K, E1492K, E1550K, E1641K.
Identifiers: ClinVar variation 375447 (VCV000375447.23), dbSNP rs80357401, ClinGen allele CA10591564.
Genomic context (GRCh38, chr17:43,070,933, plus strand): 5'-TTCCAGAATGTTGTTAAGTCTTAGTCATTAGGGAGATACATATGGATACACTCACAAATT[C>T]TTCTGGGGTCAGGCCAGACACCACCATGGACATTCTTTTGTTGACCCTTTCTGTTGAAGC-3'
Protein context (NP_009225.1, residues 1651-1671): SMVVSGLTPE[Glu1661Lys]FMLVYKFARK